The following is an entry in ClinVar:

NM_005548.3(KARS1):c.157G>A (p.Ala53Thr)

Gene: KARS1 (lysyl-tRNA synthetase 1; minus strand). Cytogenetic location: 16q23.1.
Variant type: single nucleotide variant.
Coding change: c.157G>A on transcript NM_005548.3 (MANE Select); coding-DNA position 157, G replaced by A.
Protein change: p.Ala53Thr; replaces alanine 53 with threonine.
Molecular consequence: missense variant. On other transcripts: 5 prime UTR variant (1).
Genome position (GRCh38, 1-based): chr16:75,641,629, C>T on the plus strand (G>A on the coding strand, the complement: KARS1 is on the minus strand). VCF-style: chr16-75641629-C-T. GRCh37 (hg19) VCF-style: chr16-75675527-C-T.
Other names: c.241G>A, p.Ala81Thr (NM_001130089.2); c.-312G>A (NM_001378148.1); short protein forms A81T, A53T.
Identifiers: ClinVar variation 517606 (VCV000517606.9), dbSNP rs552944283, ClinGen allele CA8177737.
Genomic context (GRCh38, chr16:75,641,629, plus strand): 5'-GGTCCACGCTCTCTTCCTCAGGACCCACACCATTATCAGTGGTGTGGTTGGTGGCAGCAG[C>T]AGTGGCTTGGCTTAGCTGTTTCTCACTGAGCTCTTTCTGTTTGGCCTCCTTCTCTGCTAC-3'
Protein context (NP_005539.1, residues 43-63): LSEKQLSQAT[Ala53Thr]AATNHTTDNG

ClinVar aggregate classification (germline): Conflicting classifications of pathogenicity. Review status: criteria provided, conflicting classifications (1 of 4 stars). 5 submissions from 5 submitters: Uncertain significance (4); Likely benign (1). Last evaluated 2026-01-15.

Allele frequency attached by ClinVar (database versions not stated): gnomAD exomes 0.00003 and below 0.00001; gnomAD 0.00001; ExAC 0.00007; 1000 Genomes Project 0.00020; 1000 Genomes Project 30x 0.00016.
gnomAD v4.1: 8 of 1,614,014 alleles (0.0005%); highest among the groups gnomAD compares: East Asian, 0.016%; no homozygotes.

Submissions (5):

Labcorp Genetics (formerly Invitae), Labcorp
Classification: Uncertain significance. Last evaluated: 2026-01-15. Review status: criteria provided, single submitter. Criteria: Invitae Variant Classification Sherloc (09022015). Collection method: clinical testing. Allele origin: germline.
Comment: This sequence change replaces alanine, which is neutral and non-polar, with threonine, which is neutral and polar, at codon 81 of the KARS protein (p.Ala81Thr). This variant is present in population databases (rs552944283, gnomAD 0.03%). This variant has not been reported in the literature in individuals affected with KARS-related conditions. ClinVar contains an entry for this variant (Variation ID: 517606). An algorithm developed to predict the effect of missense changes on protein structure and function outputs the following: PolyPhen-2: "Benign". The threonine amino acid residue is found in multiple mammalian species, which suggests that this missense change does not adversely affect protein function. In summary, the available evidence is currently insufficient to determine the role of this variant in disease. Therefore, it has been classified as a Variant of Uncertain Significance.

Ambry Genetics
Classification: Uncertain significance. Last evaluated: 2025-03-17. Review status: criteria provided, single submitter. Criteria: Ambry Variant Classification Scheme 2023. Collection method: clinical testing. Allele origin: germline.

Mayo Clinic Laboratories, Mayo Clinic
Classification: Uncertain significance. Last evaluated: 2025-01-10. Review status: criteria provided, single submitter. Criteria: ACMG Guidelines, 2015. Collection method: clinical testing. Allele origin: germline. Observed: 1 variant allele.
Comment: BP4

GeneDx
Classification: Uncertain significance. Last evaluated: 2024-12-11. Review status: criteria provided, single submitter. Criteria: GeneDx Variant Classification Process June 2021. Collection method: clinical testing. Allele origin: germline.
Comment: In silico analysis indicates that this missense variant does not alter protein structure/function; Has not been previously published as pathogenic or benign to our knowledge

Laboratory for Molecular Medicine, Mass General Brigham Personalized Medicine
Classification: Likely benign. Last evaluated: 2017-09-21. Review status: criteria provided, single submitter. Criteria: LMM Criteria. Collection method: clinical testing. Allele origin: germline. Observed: 1 variant allele.
Comment: p.Ala81Thr in exon 3 of KARS: This variant is not expected to have clinical sign ificance due to a lack of conservation across species, including mammals. Of not e, six mammals have a threonine (Thr) at this position. In addition, computation al prediction tools do not suggest a high likelihood of impact to the protein. I t has also been identified in 5/17248 East Asian chromosomes by the Genome Aggre gation Database (gnomAD; dbSNP rs552944283).